The following is an entry in ClinVar:

ClinVar aggregate classification (germline): Conflicting classifications of pathogenicity. Review status: criteria provided, conflicting classifications (1 of 4 stars). 3 submissions from 3 submitters: Uncertain significance (2); Benign (1). Last evaluated 2024-10-28.

Conditions:
Hereditary cancer-predisposing syndrome. Also called: Neoplastic Syndromes, Hereditary; Tumor predisposition; Hereditary Cancer Syndrome; Hereditary neoplastic syndrome. Identifiers: Orphanet 140162, MedGen C0027672, MeSH D009386, MONDO:0015356.
Polyps, multiple and recurrent inflammatory fibroid, gastrointestinal. Identifiers: MedGen C5193005, MONDO:0008285, OMIM 175510.
Gastrointestinal stromal tumor. Also called: Gastrointestinal stromal tumor, somatic; Gastrointestinal stroma tumor. Identifiers: Orphanet 44890, MedGen C0238198, MeSH D046152, MONDO:0011719, OMIM 606764, HP:0100723.

Allele frequency attached by ClinVar (database versions not stated): TOPMed below 0.00001; gnomAD exomes 0.00001; ExAC 0.00002.

Submissions (3):

Ambry Genetics
Classification: Benign for Hereditary cancer-predisposing syndrome. Last evaluated: 2024-10-28. Review status: criteria provided, single submitter. Criteria: Ambry Variant Classification Scheme 2023. Collection method: clinical testing. Allele origin: germline.

Labcorp Genetics (formerly Invitae), Labcorp
Classification: Uncertain significance for Gastrointestinal stromal tumor. Last evaluated: 2024-08-29. Review status: criteria provided, single submitter. Criteria: Invitae Variant Classification Sherloc (09022015). Collection method: clinical testing. Allele origin: germline.
Comment: This sequence change replaces alanine, which is neutral and non-polar, with valine, which is neutral and non-polar, at codon 987 of the PDGFRA protein (p.Ala987Val). This variant is present in population databases (rs756632688, gnomAD 0.003%). This variant has not been reported in the literature in individuals affected with PDGFRA-related conditions. ClinVar contains an entry for this variant (Variation ID: 660903). An algorithm developed to predict the effect of missense changes on protein structure and function (PolyPhen-2) suggests that this variant is likely to be tolerated. In summary, the available evidence is currently insufficient to determine the role of this variant in disease. Therefore, it has been classified as a Variant of Uncertain Significance.

Baylor Genetics
Classification: Uncertain significance for Polyps, multiple and recurrent inflammatory fibroid, gastrointestinal. Last evaluated: 2023-07-18. Review status: criteria provided, single submitter. Criteria: ACMG Guidelines, 2015. Collection method: clinical testing. Allele origin: unknown.

NM_006206.6(PDGFRA):c.2960C>T (p.Ala987Val)

Gene: PDGFRA (platelet derived growth factor receptor alpha; plus strand). Cytogenetic location: 4q12.
Variant type: single nucleotide variant.
Coding change: c.2960C>T on transcript NM_006206.6 (MANE Select); coding-DNA position 2960, C replaced by T.
Protein change: p.Ala987Val; replaces alanine 987 with valine.
Molecular consequence: missense variant.
Genome position (GRCh38, 1-based): chr4:54,290,392, C>T. VCF-style: chr4-54290392-C-T. GRCh37 (hg19) VCF-style: chr4-55156559-C-T.
Other names: c.3035C>T, p.Ala1012Val (NM_001347828.2); c.2960C>T, p.Ala987Val (NM_001347829.2); c.2999C>T, p.Ala1000Val (NM_001347830.2); short protein forms A987V, A1000V, A1012V.
Identifiers: ClinVar variation 660903 (VCV000660903.13), dbSNP rs756632688, ClinGen allele CA2923001.